The following is an entry in ClinVar:

ClinVar aggregate classification (germline): Pathogenic/Likely pathogenic. Review status: criteria provided, multiple submitters, no conflicts (2 of 4 stars). 2 submissions from 2 submitters: Pathogenic (1); Likely pathogenic (1). Last evaluated 2020-10-23.

Conditions:
DYRK1A-related intellectual disability syndrome (MRD7). Also called: Intellectual developmental disorder, autosomal dominant 7; DYRK1A Syndrome. Identifiers: Orphanet 464306, MedGen C5568143, MONDO:0013578, OMIM 614104.

Submissions (2):

Institute of Medical Genetics and Applied Genomics, University Hospital Tübingen
Classification: Likely pathogenic. Last evaluated: 2020-10-23. Review status: criteria provided, single submitter. Criteria: ACMG Guidelines, 2015. Collection method: clinical testing. Allele origin: germline. Inheritance: Autosomal dominant inheritance. Affected: yes.

Center of Genomic medicine, Geneva, University Hospital of Geneva
Classification: Pathogenic for DYRK1A-related intellectual disability syndrome. Last evaluated: 2017-02-06. Review status: criteria provided, single submitter. Criteria: ACMG Guidelines, 2015. Collection method: clinical testing. Allele origin: de novo. Affected: yes.

NM_001347721.2(DYRK1A):c.833A>T (p.Asp278Val)

Gene: DYRK1A (dual specificity tyrosine phosphorylation regulated kinase 1A; plus strand). Cytogenetic location: 21q22.13.
Variant type: single nucleotide variant.
Coding change: c.833A>T on transcript NM_001347721.2 (MANE Select); coding-DNA position 833, A replaced by T.
Protein change: p.Asp278Val; replaces aspartic acid 278 with valine.
Molecular consequence: missense variant.
Genome position (GRCh38, 1-based): chr21:37,490,370, A>T. VCF-style: chr21-37490370-A-T. GRCh37 (hg19) VCF-style: chr21-38862672-A-T.
Other names: c.833A>T, p.Asp278Val (NM_001347722.2, NM_130436.2); c.746A>T, p.Asp249Val (NM_001347723.2); c.860A>T, p.Asp287Val (NM_001396.5, NM_101395.2, NM_130438.2); short protein forms D287V, D249V, D278V.
Identifiers: ClinVar variation 437414 (VCV000437414.3), dbSNP rs1555984343, ClinGen allele CA409947719.